The following is an entry in ClinVar:

ClinVar aggregate classification (germline): Uncertain significance (1 of 4 stars; one submission).

Conditions:
Early-infantile DEE. Also called: Early infantile epileptic encephalopathy with suppression bursts; Early infantile epileptic encephalopathy; Ohtahara syndrome. Identifiers: Orphanet 1934, MedGen C0393706, MONDO:0800491.

Submission:

Labcorp Genetics (formerly Invitae), Labcorp
Classification: Uncertain significance for Early-infantile DEE. Last evaluated: 2026-01-19. Review status: criteria provided, single submitter. Criteria: Invitae Variant Classification Sherloc (09022015). Collection method: clinical testing. Allele origin: germline.
Comment: This sequence change replaces arginine, which is basic and polar, with leucine, which is neutral and non-polar, at codon 1054 of the SPTAN1 protein (p.Arg1054Leu). This variant is not present in population databases (gnomAD no frequency). This variant has not been reported in the literature in individuals affected with SPTAN1-related conditions. An algorithm developed to predict the effect of missense changes on protein structure and function outputs the following: PolyPhen-2: "Benign". The leucine amino acid residue is found in multiple mammalian species, which suggests that this missense change does not adversely affect protein function. In summary, the available evidence is currently insufficient to determine the role of this variant in disease. Therefore, it has been classified as a Variant of Uncertain Significance.

NM_001130438.3(SPTAN1):c.3161G>T (p.Arg1054Leu)

Gene: SPTAN1 (spectrin alpha, non-erythrocytic 1; plus strand). Cytogenetic location: 9q34.11.
Variant type: single nucleotide variant.
Coding change: c.3161G>T on transcript NM_001130438.3 (MANE Select); coding-DNA position 3161, G replaced by T.
Protein change: p.Arg1054Leu; replaces arginine 1054 with leucine.
Molecular consequence: missense variant. On other transcripts: intron variant (6).
Genome position (GRCh38, 1-based): chr9:128,592,988, G>T. VCF-style: chr9-128592988-G-T. GRCh37 (hg19) VCF-style: chr9-131355267-G-T.
Other names: c.3161G>T, p.Arg1054Leu (NM_001363759.2, NM_001375310.1, NM_001375311.2 and 4 more transcripts); c.3197G>T, p.Arg1066Leu (NM_001375312.2, NM_001375318.1, NM_001438440.1); c.3156-1187G>T (NM_001375314.2, NM_001363765.2, NM_001438442.1 and 3 more transcripts); short protein forms R1054L, R1066L.
Identifiers: ClinVar variation 4699078 (VCV004699078.1).